The following is an entry in ClinVar:

NM_002317.7(LOX):c.1096A>G (p.Ile366Val)

Genes: LOX (lysyl oxidase; minus strand), SRFBP1 (serum response factor binding protein 1; plus strand). Cytogenetic location: 5q23.1.
Variant type: single nucleotide variant.
Coding change: c.1096A>G on transcript NM_002317.7 (MANE Select); coding-DNA position 1096, A replaced by G.
Protein change: p.Ile366Val; replaces isoleucine 366 with valine.
Molecular consequence: missense variant.
Genome position (GRCh38, 1-based): chr5:122,070,529, T>C on the plus strand (A>G on the coding strand, the complement: LOX is on the minus strand). VCF-style: chr5-122070529-T-C. GRCh37 (hg19) VCF-style: chr5-121406224-T-C.
Other names: c.406A>G, p.Ile136Val (NM_001178102.2); c.205A>G, p.Ile69Val (NM_001317073.1); short protein forms I366V, I69V, I136V.
Identifiers: ClinVar variation 2894964 (VCV002894964.3), dbSNP rs2532902117, ClinGen allele CA360880461.
Genomic context (GRCh38, chr5:122,070,529, plus strand): 5'-ATGATATATTTTCAAAGGTCTTTACCTTTAGGATATAGTTTCCAGGTTTTACATCTGTAA[T>C]ATCAATCCACTGGCAGTCTATGTCTGCACCATAGGTATCATAACAGCCAGGACTCAATCC-3'
Protein context (NP_002308.2, residues 356-376): GADIDCQWID[Ile366Val]TDVKPGNYIL

ClinVar aggregate classification (germline): Uncertain significance (1 of 4 stars; one submission).

Submission:

Labcorp Genetics (formerly Invitae), Labcorp
Classification: Uncertain significance. Last evaluated: 2023-02-15. Review status: criteria provided, single submitter. Criteria: Invitae Variant Classification Sherloc (09022015). Collection method: clinical testing. Allele origin: germline.
Comment: In summary, the available evidence is currently insufficient to determine the role of this variant in disease. Therefore, it has been classified as a Variant of Uncertain Significance. This sequence change replaces isoleucine, which is neutral and non-polar, with valine, which is neutral and non-polar, at codon 366 of the LOX protein (p.Ile366Val). This variant is not present in population databases (gnomAD no frequency). This variant has not been reported in the literature in individuals affected with LOX-related conditions. Advanced modeling of protein sequence and biophysical properties (such as structural, functional, and spatial information, amino acid conservation, physicochemical variation, residue mobility, and thermodynamic stability) performed at Invitae indicates that this missense variant is expected to disrupt LOX protein function.